The following is an entry in ClinVar:

ClinVar aggregate classification (germline): Uncertain significance (1 of 4 stars; one submission).

Allele frequency attached by ClinVar (database versions not stated): ExAC 0.00001; TOPMed 0.00002; gnomAD 0.00003; 1000 Genomes Project 30x 0.00016; 1000 Genomes Project 0.00020.
gnomAD v4.1: 6 of 1,613,466 alleles (0.00037%); highest among the groups gnomAD compares: African/African-American, 0.008%; no homozygotes.

Submission:

Ambry Genetics
Classification: Uncertain significance. Last evaluated: 2024-03-21. Review status: criteria provided, single submitter. Criteria: Ambry Variant Classification Scheme 2023. Collection method: clinical testing. Allele origin: germline.
Comment: The p.T1411N variant (also known as c.4232C>A), located in coding exon 16 of the POLQ gene, results from a C to A substitution at nucleotide position 4232. The threonine at codon 1411 is replaced by asparagine, an amino acid with similar properties. This amino acid position is conserved. In addition, this alteration is predicted to be tolerated by in silico analysis. Since supporting evidence is limited at this time, the clinical significance of this alteration remains unclear.

NM_199420.4(POLQ):c.4232C>A (p.Thr1411Asn)

Gene: POLQ (DNA polymerase theta; minus strand). Cytogenetic location: 3q13.33.
Variant type: single nucleotide variant.
Coding change: c.4232C>A on transcript NM_199420.4 (MANE Select); coding-DNA position 4232, C replaced by A.
Protein change: p.Thr1411Asn; replaces threonine 1411 with asparagine.
Molecular consequence: missense variant.
Genome position (GRCh38, 1-based): chr3:121,488,699, G>T on the plus strand (C>A on the coding strand, the complement: POLQ is on the minus strand). VCF-style: chr3-121488699-G-T. GRCh37 (hg19) VCF-style: chr3-121207546-G-T.
Other names: short protein forms T1411N.
Identifiers: ClinVar variation 1738921 (VCV001738921.2), dbSNP rs569630942, ClinGen allele CA2562933.